The following is an entry in ClinVar:

NM_001018113.3(FANCB):c.706G>A (p.Val236Met)

Gene: FANCB (FA complementation group B; minus strand). Cytogenetic location: Xp22.2.
Variant type: single nucleotide variant.
Coding change: c.706G>A on transcript NM_001018113.3 (MANE Select); coding-DNA position 706, G replaced by A.
Protein change: p.Val236Met; replaces valine 236 with methionine.
Molecular consequence: missense variant.
Genome position (GRCh38, 1-based): chrX:14,864,805, C>T on the plus strand (G>A on the coding strand, the complement: FANCB is on the minus strand). VCF-style: chrX-14864805-C-T. GRCh37 (hg19) VCF-style: chrX-14882927-C-T.
Other names: c.706G>A, p.Val236Met (NM_001324162.2, NM_152633.4); c.706G>A (NM_152633.3, NM_001018113.2); short protein forms V236M.
Identifiers: ClinVar variation 435138 (VCV000435138.19), dbSNP rs746389250, ClinGen allele CA10353176.

ClinVar aggregate classification (germline): Benign/Likely benign. Review status: criteria provided, multiple submitters, no conflicts (2 of 4 stars). 6 submissions from 6 submitters: Benign (3); Likely benign (3). Last evaluated 2025-10-27.

Conditions:
FANCB-related disorder. Also called: FANCB-related condition.
VACTERL association, X-linked, with or without hydrocephalus (VACTERLX). Also called: VACTERL ASSOCIATION, X-LINKED; VACTERL-H, X-LINKED; VACTERL Association with Hydrocephalus, X-linked; X-linked VACTERL-H syndrome. Identifiers: Orphanet 3412, MedGen C2931228, MONDO:0010752, OMIM 314390.
Fanconi anemia complementation group B (FANCB). Also called: FANCONI PANCYTOPENIA, TYPE 2; FANCB-Related Fanconi Anemia. Identifiers: Orphanet 84, MedGen C1845292, MONDO:0010351, OMIM 300514.
Fanconi anemia (FA). Also called: Fanconi's anemia. Identifiers: Orphanet 84, MedGen C0015625, MeSH D005199, MONDO:0019391.

Allele frequency attached by ClinVar (database versions not stated): gnomAD below 0.00001 and 0.00007; TOPMed 0.00001; gnomAD exomes 0.00013 and 0.00024; ExAC 0.00030; 1000 Genomes Project 30x 0.00042; 1000 Genomes Project 0.00053.
gnomAD v4.1: 152 of 1,205,846 alleles (0.013%); highest among the groups gnomAD compares: South Asian, 0.25%; no homozygotes.

Submissions (6):

PreventionGenetics, part of Exact Sciences
Classification: Likely benign for FANCB-related condition. Last evaluated: 2025-10-27. Review status: criteria provided, single submitter. Criteria: ACMG Guidelines, 2015. Collection method: clinical testing. Allele origin: germline.
Comment: This variant is classified as likely benign based on ACMG/AMP sequence variant interpretation guidelines (Richards et al. 2015 PMID: 25741868, with internal and published modifications).

Labcorp Genetics (formerly Invitae), Labcorp
Classification: Benign for Fanconi anemia. Last evaluated: 2025-10-19. Review status: criteria provided, single submitter. Criteria: Invitae Variant Classification Sherloc (09022015). Collection method: clinical testing. Allele origin: germline.

KCCC/NGS Laboratory, Kuwait Cancer Control Center
Classification: Benign for Fanconi anemia complementation group B. Last evaluated: 2025-02-01. Review status: criteria provided, single submitter. Criteria: ACMG Guidelines, 2015. Collection method: clinical testing. Allele origin: germline. Affected: no.

Blueprint Genetics
Classification: Likely benign. Last evaluated: 2024-11-13. Review status: criteria provided, single submitter. Criteria: ACMG Guidelines, 2015. Collection method: clinical testing. Allele origin: germline.

Fulgent Genetics
Classification: Likely benign for Fanconi anemia complementation group B; VACTERL association, X-linked, with or without hydrocephalus. Last evaluated: 2021-11-05. Review status: criteria provided, single submitter. Criteria: ACMG Guidelines, 2015. Collection method: clinical testing. Allele origin: unknown.

Genetic Services Laboratory, University of Chicago
Classification: Benign. Last evaluated: 2018-10-31. Review status: criteria provided, single submitter. Criteria: ACMG Guidelines, 2015. Collection method: clinical testing. Allele origin: germline. Affected: no.